The following is an entry in ClinVar:

NM_001611.5(ACP5):c.100T>C (p.Trp34Arg)

Gene: ACP5 (acid phosphatase 5, tartrate resistant; minus strand). Cytogenetic location: 19p13.2.
Variant type: single nucleotide variant.
Coding change: c.100T>C on transcript NM_001611.5 (MANE Select); coding-DNA position 100, T replaced by C.
Protein change: p.Trp34Arg; replaces tryptophan 34 with arginine.
Molecular consequence: missense variant.
Genome position (GRCh38, 1-based): chr19:11,577,218, A>G on the plus strand (T>C on the coding strand, the complement: ACP5 is on the minus strand). VCF-style: chr19-11577218-A-G. GRCh37 (hg19) VCF-style: chr19-11688033-A-G.
Other names: c.100T>C, p.Trp34Arg (NM_001111034.3, NM_001111035.3, NM_001111036.3 and 1 more transcripts); short protein forms W34R.
Identifiers: ClinVar variation 1309022 (VCV001309022.2), dbSNP rs941984729, ClinGen allele CA305359477.

ClinVar aggregate classification (germline): Uncertain significance (1 of 4 stars; one submission).

Allele frequency attached by ClinVar (database versions not stated): TOPMed below 0.00001.

Submission:

GeneDx
Classification: Uncertain significance. Last evaluated: 2021-02-04. Review status: criteria provided, single submitter. Criteria: GeneDx Variant Classification Process June 2021. Collection method: clinical testing. Allele origin: germline. Affected: yes.
Comment: Not observed in large population cohorts (Lek et al., 2016); In silico analysis, which includes protein predictors and evolutionary conservation, supports a deleterious effect; Has not been previously published as pathogenic or benign to our knowledge